The following is an entry in ClinVar:

ClinVar aggregate classification (germline): Conflicting classifications of pathogenicity. Review status: criteria provided, conflicting classifications (1 of 4 stars). 5 submissions from 5 submitters: Uncertain significance (3); Likely benign (2). Last evaluated 2025-11-24.

Conditions:
Facioscapulohumeral muscular dystrophy 2 (FSHD2). Also called: MUSCULAR DYSTROPHY, FACIOSCAPULOHUMERAL, TYPE 1B; FACIOSCAPULOHUMERAL MUSCULAR DYSTROPHY 2, DIGENIC; FSHD2, DIGENIC. Identifiers: Orphanet 269, MedGen C1834671, MONDO:0008031, OMIM 158901.
Inborn genetic diseases. Identifiers: MedGen C0950123, MeSH D030342.

Allele frequency attached by ClinVar (database versions not stated): gnomAD exomes 0.00004 and 0.00005; ExAC 0.00006; ESP Exome Variant Server 0.00008; gnomAD 0.00010 and 0.00011; TOPMed 0.00017; 1000 Genomes Project 30x 0.00031; 1000 Genomes Project 0.00040.
gnomAD v4.1: 72 of 1,605,330 alleles (0.0045%); highest among the groups gnomAD compares: Middle Eastern, 0.17%; no homozygotes.

Submissions (5):

Labcorp Genetics (formerly Invitae), Labcorp
Classification: Uncertain significance for Facioscapulohumeral muscular dystrophy 2. Last evaluated: 2025-11-24. Review status: criteria provided, single submitter. Criteria: Invitae Variant Classification Sherloc (09022015). Collection method: clinical testing. Allele origin: germline.
Comment: This sequence change replaces valine, which is neutral and non-polar, with isoleucine, which is neutral and non-polar, at codon 1638 of the SMCHD1 protein (p.Val1638Ile). This variant is present in population databases (rs370473143, gnomAD 0.05%). This variant has not been reported in the literature in individuals affected with SMCHD1-related conditions. ClinVar contains an entry for this variant (Variation ID: 500233). Invitae Evidence Modeling of protein sequence and biophysical properties (such as structural, functional, and spatial information, amino acid conservation, physicochemical variation, residue mobility, and thermodynamic stability) indicates that this missense variant is not expected to disrupt SMCHD1 protein function with a negative predictive value of 80%. In summary, the available evidence is currently insufficient to determine the role of this variant in disease. Therefore, it has been classified as a Variant of Uncertain Significance.

Ambry Genetics
Classification: Likely benign for Inborn genetic diseases. Last evaluated: 2025-08-02. Review status: criteria provided, single submitter. Criteria: Ambry Variant Classification Scheme 2023. Collection method: clinical testing. Allele origin: germline.

Revvity Omics, Revvity
Classification: Likely benign. Last evaluated: 2024-09-19. Review status: criteria provided, single submitter. Criteria: ACMG Guidelines, 2015. Collection method: clinical testing. Allele origin: germline.

Eurofins Ntd Llc (ga)
Classification: Uncertain significance. Last evaluated: 2018-08-13. Review status: criteria provided, single submitter. Criteria: EGL ClinVar v180209 classification definitions. Collection method: clinical testing. Allele origin: germline. Observed: 4 variant alleles, 4 heterozygotes.

Breakthrough Genomics
Classification: Uncertain significance. Review status: criteria provided, single submitter. Criteria: ACMG Guidelines, 2015. Collection method: not provided. Allele origin: germline. Inheritance: Autosomal dominant inheritance. Affected: yes.

NM_015295.3(SMCHD1):c.4912G>A (p.Val1638Ile)

Gene: SMCHD1 (structural maintenance of chromosomes flexible hinge domain containing 1; plus strand). Cytogenetic location: 18p11.32.
Variant type: single nucleotide variant.
Coding change: c.4912G>A on transcript NM_015295.3 (MANE Select); coding-DNA position 4912, G replaced by A.
Protein change: p.Val1638Ile; replaces valine 1638 with isoleucine.
Molecular consequence: missense variant.
Genome position (GRCh38, 1-based): chr18:2,770,054, G>A. VCF-style: chr18-2770054-G-A. GRCh37 (hg19) VCF-style: chr18-2770052-G-A.
Other names: c.4912G>A (NM_015295.2); short protein forms V1638I.
Identifiers: ClinVar variation 500233 (VCV000500233.15), dbSNP rs370473143, ClinGen allele CA8871604.
Genomic context (GRCh38, chr18:2,770,054, plus strand): 5'-AAGAAGCAGCAACAAATGGCAGCACTTACAAAAGAAAAGGACCAATTATCTCAGTCTATT[G>A]TTATGTATAAAAGTTTATTTGAAGCCAGCCAACAGCTTCTTAATGAAATGAAATGTAAGT-3'
Protein context (NP_056110.2, residues 1628-1648): KEKDQLSQSI[Val1638Ile]MYKSLFEASQ